The following is an entry in ClinVar:

NM_001278716.2(FBXL4):c.1288C>T (p.Arg430Ter)

Gene: FBXL4 (F-box and leucine rich repeat protein 4; minus strand). Cytogenetic location: 6q16.1.
Variant type: single nucleotide variant.
Coding change: c.1288C>T on transcript NM_001278716.2 (MANE Select); coding-DNA position 1288, C replaced by T.
Protein change: p.Arg430Ter; replaces arginine 430 with a stop codon.
Molecular consequence: nonsense. On other transcripts: non-coding transcript variant (2).
Genome position (GRCh38, 1-based): chr6:98,899,297, G>A on the plus strand (C>T on the coding strand, the complement: FBXL4 is on the minus strand). VCF-style: chr6-98899297-G-A. GRCh37 (hg19) VCF-style: chr6-99347173-G-A.
Other names: c.1288C>T, p.Arg430Ter (NM_012160.5); short protein forms R430*.
Identifiers: ClinVar variation 437724 (VCV000437724.14), dbSNP rs758395213, ClinGen allele CA3933492.

ClinVar aggregate classification (germline): Pathogenic/Likely pathogenic. Review status: criteria provided, multiple submitters, no conflicts (2 of 4 stars). 8 submissions from 8 submitters: Pathogenic (3); Likely pathogenic (4). 1 of the submissions does not count toward it. Last evaluated 2025-04-13.

Conditions:
Mitochondrial DNA depletion syndrome 13. Also called: FBXL4-Related Encephalomyopathic Mitochondrial DNA Depletion Syndrome; Mitochondrial DNA depletion syndrome 13 (encephalomyopathic type). Identifiers: Orphanet 369897, MedGen C3809592, MONDO:0014198, OMIM 615471.

Allele frequency attached by ClinVar (database versions not stated): TOPMed 0.00002; gnomAD 0.00003; gnomAD exomes 0.00001 and 0.00002; ExAC 0.00002.
gnomAD v4.1: 29 of 1,613,844 alleles (0.0018%); highest among the groups gnomAD compares: Middle Eastern, 0.016%; no homozygotes.

Submissions (8):

Dasa
Classification: Pathogenic. Last evaluated: 2025-04-13. Review status: criteria provided, single submitter. Criteria: DASA Assertion Criteria. Collection method: clinical testing. Allele origin: germline.
Comment: NM_001278716.2(FBXL4):c.1288C>T (p.Arg430*) introduces a premature termination codon predicted to result in loss of normal protein function. Loss-of-function is an established mechanism of disease for this gene. This variant has been observed in affected individuals with related phenotype in a genotype context consistent with recessive disease (PMID: 34056100). This variant has been reported in individuals with related phenotype (PMID: 34056100). The variant is present at low frequency in population datasets. Based on the available data, this variant is classified as pathogenic.

Labcorp Genetics (formerly Invitae), Labcorp
Classification: Pathogenic. Last evaluated: 2024-10-25. Review status: criteria provided, single submitter. Criteria: Invitae Variant Classification Sherloc (09022015). Collection method: clinical testing. Allele origin: germline.
Comment: This sequence change creates a premature translational stop signal (p.Arg430*) in the FBXL4 gene. It is expected to result in an absent or disrupted protein product. Loss-of-function variants in FBXL4 are known to be pathogenic (PMID: 23993193, 23993194, 25868664). This variant is present in population databases (rs758395213, gnomAD 0.007%). This variant has not been reported in the literature in individuals affected with FBXL4-related conditions. ClinVar contains an entry for this variant (Variation ID: 437724). Algorithms developed to predict the effect of sequence changes on RNA splicing suggest that this variant may disrupt the consensus splice site. For these reasons, this variant has been classified as Pathogenic.

Fulgent Genetics
Classification: Likely pathogenic for Mitochondrial DNA depletion syndrome 13. Last evaluated: 2024-03-05. Review status: criteria provided, single submitter. Criteria: ACMG Guidelines, 2015. Collection method: clinical testing. Allele origin: germline.

Department of Pathology and Laboratory Medicine, Sinai Health System
Classification: Likely pathogenic for Mitochondrial DNA depletion syndrome 13. Last evaluated: 2023-02-06. Review status: criteria provided, single submitter. Criteria: ACMG Guidelines, 2015. Collection method: research. Allele origin: germline.

GeneDx
Classification: Likely pathogenic. Last evaluated: 2022-06-14. Review status: criteria provided, single submitter. Criteria: GeneDx Variant Classification Process June 2021. Collection method: clinical testing. Allele origin: germline. Affected: yes.
Comment: Nonsense variant predicted to result in protein truncation or nonsense mediated decay in a gene for which loss of function is a known mechanism of disease; Not observed at significant frequency in large population cohorts (gnomAD); Has not been previously published as pathogenic or benign to our knowledge

Mendelics
Classification: Pathogenic for Mitochondrial DNA depletion syndrome 13. Last evaluated: 2019-05-28. Review status: criteria provided, single submitter. Criteria: Mendelics Assertion Criteria 2017. Collection method: clinical testing. Allele origin: unknown.

Wong Mito Lab, Molecular and Human Genetics, Baylor College of Medicine
Classification: Likely pathogenic for Mitochondrial DNA depletion syndrome 13. Last evaluated: 2017-08-10. Review status: criteria provided, single submitter. Criteria: ACMG Guidelines, 2015. Collection method: reference population. Allele origin: germline.
Comment: The NM_012160.4:c.1288C>T (NP_036292.2:p.Arg430Ter) [GRCH38: NC_000006.12:g.98899297G>A] variant in FBXL4 gene is interpretated to be a Likely Pathogenic based on ACMG guidelines (PMID: 25741868). This variant meets one or more of the following evidence codes reported in the ACMG-guideline. PVS1:This variant is a predcted null variant in FBXL4 where loss of function is a known mechanism of disease. PM2:This variant is absent in key population databases. Based on this evidence code ClinGen Pathogenicity Calculator (PMID:28081714) suggested that the variant is Likely Pathogenic.

Genomics England Pilot Project, Genomics England
Classification: Likely pathogenic for Mitochondrial DNA depletion syndrome 13. Review status: no assertion criteria provided. Criteria: ACGS Guidelines, 2016. Collection method: clinical testing. Allele origin: germline. Affected: yes. Not counted in ClinVar's aggregate classification.

Literature cited by the submitters: PubMed 34056100 (cited by Dasa); PubMed 23993193 (cited by Labcorp Genetics (formerly Invitae), Labcorp); PubMed 23993194 (cited by Labcorp Genetics (formerly Invitae), Labcorp); PubMed 25868664 (cited by Labcorp Genetics (formerly Invitae), Labcorp).